The following is an entry in ClinVar:

ClinVar aggregate classification (germline): Benign/Likely benign. Review status: criteria provided, multiple submitters, no conflicts (2 of 4 stars). 4 submissions from 4 submitters: Benign (3); Likely benign (1). Last evaluated 2026-07-01.

Conditions:
Skeletal overgrowth-craniofacial dysmorphism-hyperelastic skin-white matter lesions syndrome. Also called: SKELETAL OVERGROWTH WITH FACIAL DYSMORPHISM, HYPERELASTIC SKIN, WHITE MATTER LESIONS, AND NEUROLOGIC DETERIORATION; Kosaki overgrowth syndrome. Identifiers: Orphanet 477831, MedGen C4225270, MONDO:0014704, OMIM 616592.
Acroosteolysis-keloid-like lesions-premature aging syndrome. Also called: Premature aging syndrome, Penttinen type; Prematurely aged appearance, delayed bone maturation, acro-osteolysis, and brachydactyly; Progeroid syndrome, Penttinen type. Identifiers: Orphanet 363665, MedGen C1866182, MONDO:0011150, OMIM 601812.
Infantile myofibromatosis (IMF). Also called: Congenital generalized fibromatosis. Identifiers: Orphanet 2591, MedGen C0432284, MONDO:0016824.
Basal ganglia calcification, idiopathic, 4 (PFBC4). Also called: PRIMARY FAMILIAL BRAIN CALCIFICATION 4, AUTOSOMAL DOMINANT; Familial Idiopathic Basal Ganglia Calcification 4. Identifiers: Orphanet 1980, MedGen C3554321, MONDO:0014004, OMIM 615007.

Allele frequency attached by ClinVar (database versions not stated): gnomAD 0.00402 and 0.00425; gnomAD exomes 0.00107 and 0.00216; 1000 Genomes Project 0.00399; ESP Exome Variant Server 0.00454; ExAC 0.00205; 1000 Genomes Project 30x 0.00437; TOPMed 0.00452.
gnomAD v4.1: 2,311 of 1,613,946 alleles (0.14%); highest among the groups gnomAD compares: African/African-American, 1%; 26 homozygotes.

Submissions (4):

CeGaT Center for Human Genetics Tuebingen
Classification: Likely benign. Last evaluated: 2026-07-01. Review status: criteria provided, single submitter. Criteria: CeGaT Center For Human Genetics Tuebingen Variant Classification Criteria Version 2. Collection method: clinical testing. Allele origin: germline. Affected: yes. Observed: 2 variant alleles.
Comment: PDGFRB: BP4, BP7, BS1

Labcorp Genetics (formerly Invitae), Labcorp
Classification: Benign for Basal ganglia calcification, idiopathic, 4; Skeletal overgrowth-craniofacial dysmorphism-hyperelastic skin-white matter lesions syndrome; Infantile myofibromatosis; Acroosteolysis-keloid-like lesions-premature aging syndrome. Last evaluated: 2026-01-05. Review status: criteria provided, single submitter. Criteria: Invitae Variant Classification Sherloc (09022015). Collection method: clinical testing. Allele origin: germline.

Mayo Clinic Laboratories, Mayo Clinic
Classification: Benign. Last evaluated: 2023-10-04. Review status: criteria provided, single submitter. Criteria: ACMG Guidelines, 2015. Collection method: clinical testing. Allele origin: germline. Observed: 5 variant alleles.
Comment: BS1, BS2, BP4, BP7

GeneDx
Classification: Benign. Last evaluated: 2021-05-11. Review status: criteria provided, single submitter. Criteria: GeneDx Variant Classification Process June 2021. Collection method: clinical testing. Allele origin: germline. Affected: yes.

NM_002609.4(PDGFRB):c.1393C>T (p.Leu465=)

Gene: PDGFRB (platelet derived growth factor receptor beta; minus strand). Cytogenetic location: 5q32.
Variant type: single nucleotide variant.
Coding change: c.1393C>T on transcript NM_002609.4 (MANE Select); coding-DNA position 1393, C replaced by T.
Protein change: p.Leu465=; no amino-acid change (leucine 465 retained).
Molecular consequence: synonymous variant.
Genome position (GRCh38, 1-based): chr5:150,129,943, G>A on the plus strand (C>T on the coding strand, the complement: PDGFRB is on the minus strand). VCF-style: chr5-150129943-G-A. GRCh37 (hg19) VCF-style: chr5-149509506-G-A.
Other names: p.Leu465=; c.1201C>T, p.Leu401= (NM_001355016.2); c.910C>T, p.Leu304= (NM_001355017.2).
Identifiers: ClinVar variation 707672 (VCV000707672.36), dbSNP rs116171826, ClinGen allele CA3507991.